The following is an entry in ClinVar:

NM_001844.5(COL2A1):c.2198C>A (p.Ala733Glu)

Gene: COL2A1 (collagen type II alpha 1 chain; minus strand). Cytogenetic location: 12q13.11.
Variant type: single nucleotide variant.
Coding change: c.2198C>A on transcript NM_001844.5 (MANE Select); coding-DNA position 2198, C replaced by A.
Protein change: p.Ala733Glu; replaces alanine 733 with glutamic acid.
Molecular consequence: missense variant.
Genome position (GRCh38, 1-based): chr12:47,982,605, G>T on the plus strand (C>A on the coding strand, the complement: COL2A1 is on the minus strand). VCF-style: chr12-47982605-G-T. GRCh37 (hg19) VCF-style: chr12-48376388-G-T.
Other names: c.1991C>A, p.Ala664Glu (NM_033150.3); short protein forms A664E, A733E.
Identifiers: ClinVar variation 971219 (VCV000971219.9), dbSNP rs1939157535, ClinGen allele CA384546348.

ClinVar aggregate classification (germline): Uncertain significance (1 of 4 stars; one submission).

gnomAD v4.1: 2 of 1,609,320 alleles (0.00012%); no homozygotes.

Submission:

Labcorp Genetics (formerly Invitae), Labcorp
Classification: Uncertain significance. Last evaluated: 2019-10-03. Review status: criteria provided, single submitter. Criteria: Invitae Variant Classification Sherloc (09022015). Collection method: clinical testing. Allele origin: germline.
Comment: This sequence change replaces alanine with glutamic acid at codon 733 of the COL2A1 protein (p.Ala733Glu). The alanine residue is highly conserved and there is a moderate physicochemical difference between alanine and glutamic acid. This variant is not present in population databases (ExAC no frequency). This variant has not been reported in the literature in individuals with COL2A1-related conditions. Algorithms developed to predict the effect of missense changes on protein structure and function (SIFT, PolyPhen-2, Align-GVGD) all suggest that this variant is likely to be disruptive, but these predictions have not been confirmed by published functional studies and their clinical significance is uncertain. In summary, the available evidence is currently insufficient to determine the role of this variant in disease. Therefore, it has been classified as a Variant of Uncertain Significance.